The following is an entry in ClinVar:

NM_152327.5(AK7):c.86G>A (p.Ser29Asn)

Gene: AK7 (adenylate kinase 7; plus strand). Cytogenetic location: 14q32.2.
Variant type: single nucleotide variant.
Coding change: c.86G>A on transcript NM_152327.5 (MANE Select); coding-DNA position 86, G replaced by A.
Protein change: p.Ser29Asn; replaces serine 29 with asparagine.
Molecular consequence: missense variant.
Genome position (GRCh38, 1-based): chr14:96,392,240, G>A. VCF-style: chr14-96392240-G-A. GRCh37 (hg19) VCF-style: chr14-96858577-G-A.
Other names: c.86G>A, p.Ser29Asn (NM_001350888.2, NM_001350890.2, NM_001350891.2 and 1 more transcripts); short protein forms S29N.
Identifiers: ClinVar variation 4697801 (VCV004697801.1).
Genomic context (GRCh38, chr14:96,392,240, plus strand): 5'-CTCTCACGGAGAAGGTTATCCGGACCCAGAGGGTGTTTATAAACCTGTTGGATTCCTACA[G>A]CAGCGGAAACATCGGGAAGGTGAGCGGCGGCGGCGGCCCAGAGCCTCACGCCAGCTCTCA-3'
Protein context (NP_689540.2, residues 19-39): RVFINLLDSY[Ser29Asn]SGNIGKFLSN

ClinVar aggregate classification (germline): Uncertain significance (1 of 4 stars; one submission).

Submission:

Labcorp Genetics (formerly Invitae), Labcorp
Classification: Uncertain significance. Last evaluated: 2025-07-15. Review status: criteria provided, single submitter. Criteria: Invitae Variant Classification Sherloc (09022015). Collection method: clinical testing. Allele origin: germline.
Comment: This sequence change replaces serine, which is neutral and polar, with asparagine, which is neutral and polar, at codon 29 of the AK7 protein (p.Ser29Asn). This variant is not present in population databases (gnomAD no frequency). This variant has not been reported in the literature in individuals affected with AK7-related conditions. Invitae Evidence Modeling of protein sequence and biophysical properties (such as structural, functional, and spatial information, amino acid conservation, physicochemical variation, residue mobility, and thermodynamic stability) indicates that this missense variant is not expected to disrupt AK7 protein function with a negative predictive value of 80%. In summary, the available evidence is currently insufficient to determine the role of this variant in disease. Therefore, it has been classified as a Variant of Uncertain Significance.